The following is an entry in ClinVar:

ClinVar aggregate classification (germline): Uncertain significance (1 of 4 stars; one submission).

Conditions:
Inborn genetic diseases. Identifiers: MedGen C0950123, MeSH D030342.

Allele frequency attached by ClinVar (database versions not stated): TOPMed below 0.00001.

Submission:

Ambry Genetics
Classification: Uncertain significance for Inborn genetic diseases. Last evaluated: 2022-07-14. Review status: criteria provided, single submitter. Criteria: Ambry Variant Classification Scheme 2023. Collection method: clinical testing. Allele origin: germline.
Comment: The p.F552L variant (also known as c.1656T>A), located in coding exon 11 of the MIB1 gene, results from a T to A substitution at nucleotide position 1656. The phenylalanine at codon 552 is replaced by leucine, an amino acid with highly similar properties. This amino acid position is conserved. In addition, this alteration is predicted to be tolerated by in silico analysis. Since supporting evidence is limited at this time, the clinical significance of this alteration remains unclear.

NM_020774.4(MIB1):c.1656T>A (p.Phe552Leu)

Gene: MIB1 (MIB E3 ubiquitin protein ligase 1; plus strand). Cytogenetic location: 18q11.2.
Variant type: single nucleotide variant.
Coding change: c.1656T>A on transcript NM_020774.4 (MANE Select); coding-DNA position 1656, T replaced by A.
Protein change: p.Phe552Leu; replaces phenylalanine 552 with leucine.
Molecular consequence: missense variant.
Genome position (GRCh38, 1-based): chr18:21,815,792, T>A. VCF-style: chr18-21815792-T-A. GRCh37 (hg19) VCF-style: chr18-19395753-T-A.
Other names: short protein forms F552L.
Identifiers: ClinVar variation 1777368 (VCV001777368.2), dbSNP rs2041824794, ClinGen allele CA401758524.
Genomic context (GRCh38, chr18:21,815,792, plus strand): 5'-ACCACTTCATATTGCTGTCAATAAAGGTCATCTTCAAGTTGTGAAGACTTTATTGGACTT[T>A]GGCTGTCATCCCAGTCTCCAGGTAAAACCTTTAAAGAAACACATCCTGCAGGTATTGCTA-3'
Protein context (NP_065825.1, residues 542-562): HLQVVKTLLD[Phe552Leu]GCHPSLQDSE